The following is an entry in ClinVar:

ClinVar aggregate classification (germline): Uncertain significance (1 of 4 stars; one submission).

Submission:

Women's Health and Genetics/Laboratory Corporation of America, LabCorp
Classification: Uncertain significance. Last evaluated: 2025-01-24. Review status: criteria provided, single submitter. Criteria: LabCorp Variant Classification Summary - May 2015. Collection method: clinical testing. Allele origin: germline.
Comment: Variant summary: WT1 c.506T>A (p.Phe169Tyr) results in a conservative amino acid change in the encoded protein sequence. Three of four in-silico tools predict a damaging effect of the variant on protein function. The variant was absent in 244620 control chromosomes. The available data on variant occurrences in the general population are insufficient to allow any conclusion about variant significance. To our knowledge, no occurrence of c.506T>A in individuals affected with Wilms Tumor, Type 1 and no experimental evidence demonstrating its impact on protein function have been reported. No submitters have cited clinical-significance assessments for this variant to ClinVar. Based on the evidence outlined above, the variant was classified as uncertain significance.

NM_024426.6(WT1):c.506T>A (p.Phe169Tyr)

Genes: WT1 (WT1 transcription factor; minus strand), LOC107982234 (WT1/WT1-AS bi-directional promoter region; plus strand). Cytogenetic location: 11p13.
Variant type: single nucleotide variant.
Coding change: c.506T>A on transcript NM_024426.6 (MANE Select); coding-DNA position 506, T replaced by A.
Protein change: p.Phe169Tyr; replaces phenylalanine 169 with tyrosine.
Molecular consequence: missense variant. On other transcripts: non-coding transcript variant (2).
Genome position (GRCh38, 1-based): chr11:32,434,855, A>T on the plus strand (T>A on the coding strand, the complement: WT1 is on the minus strand). VCF-style: chr11-32434855-A-T. GRCh37 (hg19) VCF-style: chr11-32456401-A-T.
Other names: c.506T>A, p.Phe169Tyr (NM_000378.6, NM_001407044.1, NM_001407045.1 and 6 more transcripts); c.287T>A, p.Phe96Tyr (NM_001429031.1, NM_001429032.1, NM_001429033.1 and 1 more transcripts); short protein forms F164Y, F169Y, F96Y.
Identifiers: ClinVar variation 3769437 (VCV003769437.2).